The following is an entry in ClinVar:

ClinVar aggregate classification (germline): Uncertain significance (1 of 4 stars; one submission).

Conditions:
Hereditary cancer-predisposing syndrome. Also called: Neoplastic Syndromes, Hereditary; Tumor predisposition; Hereditary Cancer Syndrome; Hereditary neoplastic syndrome. Identifiers: Orphanet 140162, MedGen C0027672, MeSH D009386, MONDO:0015356.
Cardiovascular phenotype. Identifiers: MedGen CN230736.

Submission:

Ambry Genetics
Classification: Uncertain significance for Cardiovascular phenotype; Hereditary cancer-predisposing syndrome. Last evaluated: 2018-12-05. Review status: criteria provided, single submitter. Criteria: Ambry Variant Classification Scheme 2023. Collection method: clinical testing. Allele origin: germline.
Comment: The p.K798E variant (also known as c.2392A>G), located in coding exon 20 of the NF1 gene, results from an A to G substitution at nucleotide position 2392. The lysine at codon 798 is replaced by glutamic acid, an amino acid with similar properties. This amino acid position is highly conserved in available vertebrate species. In addition, the in silico prediction for this alteration is inconclusive. Since supporting evidence is limited at this time, the clinical significance of this alteration remains unclear.

NM_001042492.3(NF1):c.2392A>G (p.Lys798Glu)

Gene: NF1 (neurofibromin 1; plus strand). Cytogenetic location: 17q11.2.
Variant type: single nucleotide variant.
Coding change: c.2392A>G on transcript NM_001042492.3 (MANE Select); coding-DNA position 2392, A replaced by G.
Protein change: p.Lys798Glu; replaces lysine 798 with glutamic acid.
Molecular consequence: missense variant.
Genome position (GRCh38, 1-based): chr17:31,227,589, A>G. VCF-style: chr17-31227589-A-G. GRCh37 (hg19) VCF-style: chr17-29554607-A-G.
Other names: c.2392A>G, p.Lys798Glu (NM_000267.4); short protein forms K798E.
Identifiers: ClinVar variation 821200 (VCV000821200.4), dbSNP rs1135402830, ClinGen allele CA398983261.